The following is an entry in ClinVar:

ClinVar aggregate classification (germline): Likely pathogenic (1 of 4 stars; one submission).

Conditions:
Polycystic kidney disease. Also called: Kidney, Polycystic; Polycystic kidney dysplasia. Identifiers: MedGen C0022680, MeSH D007690, MONDO:0020642, HP:0000113.

Submission:

Clinical Genetics Laboratory, Skane University Hospital Lund
Classification: Likely pathogenic for Polycystic kidney disease. Last evaluated: 2025-01-08. Review status: criteria provided, single submitter. Criteria: ACMG Guidelines, 2015. Collection method: clinical testing. Allele origin: germline. Affected: yes.
Comment: ACMG criteria used: PVS1, PM2

NM_001009944.3(PKD1):c.8734dup (p.Asp2912fs)

Gene: PKD1 (polycystin 1, transient receptor potential channel interacting; minus strand). Cytogenetic location: 16p13.3.
Variant type: Duplication.
Coding change: c.8734dup on transcript NM_001009944.3 (MANE Select); coding-DNA position 8734, one base duplicated (G; older notation c.8734dupG).
Protein change: p.Asp2912fs; shifts the reading frame from aspartic acid 2912.
Molecular consequence: frameshift variant.
Genome position (GRCh38, 1-based): chr16:2,103,323, C duplicated on the plus strand (G on the coding strand, the reverse complement: PKD1 is on the minus strand); the first of 2 consecutive C bases (chr16:2,103,323-2,103,324); duplicating either gives the same sequence. VCF-style (leftmost placement, unchanged base first): chr16-2103322-T-TC. GRCh37 (hg19) VCF-style: chr16-2153323-T-TC.
Other names: c.8734dup, p.Asp2912fs (NM_000296.4); c.8734_8735insG (NM_001009944.3); short protein forms D2912fs.
Identifiers: ClinVar variation 3772675 (VCV003772675.1).